The following is an entry in ClinVar:

ClinVar aggregate classification (germline): Pathogenic. Review status: criteria provided, multiple submitters, no conflicts (2 of 4 stars). 3 submissions from 3 submitters: Pathogenic (2). 1 of the submissions does not count toward it. Last evaluated 2024-01-30.

Conditions:
Junctional epidermolysis bullosa. Identifiers: Orphanet 305, MedGen C0079301, MONDO:0017612.
Junctional epidermolysis bullosa gravis of Herlitz. Also called: EPIDERMOLYSIS BULLOSA, JUNCTIONAL 1B, SEVERE; Epidermolysis Bullosa Letalis; EPIDERMOLYSIS BULLOSA JUNCTIONALIS, HERLITZ TYPE; EPIDERMOLYSIS BULLOSA, JUNCTIONAL, HERLITZ-PEARSON TYPE; JEB-HERLITZ TYPE; Herlitz-type junctional epidermolysis bullosa. Identifiers: Orphanet 79404, MedGen C0079683, MONDO:0009182, OMIM 226700.

Submissions (3):

Labcorp Genetics (formerly Invitae), Labcorp
Classification: Pathogenic. Last evaluated: 2024-01-30. Review status: criteria provided, single submitter. Criteria: Invitae Variant Classification Sherloc (09022015). Collection method: clinical testing. Allele origin: germline.
Comment: This sequence change creates a premature translational stop signal (p.Ser469*) in the LAMA3 gene. It is expected to result in an absent or disrupted protein product. Loss-of-function variants in LAMA3 are known to be pathogenic (PMID: 10366601, 11810295, 12915477, 16473856, 17362460, 22434185, 23869449, 27827380, 28087116). This variant is present in population databases (no rsID available, gnomAD 0.007%). This premature translational stop signal has been observed in individual(s) with junctional epidermolysis bullosa (PMID: 11810295). ClinVar contains an entry for this variant (Variation ID: 555742). For these reasons, this variant has been classified as Pathogenic.

Women's Health and Genetics/Laboratory Corporation of America, LabCorp
Classification: Pathogenic for Junctional epidermolysis bullosa. Last evaluated: 2022-03-02. Review status: criteria provided, single submitter. Criteria: LabCorp Variant Classification Summary - May 2015. Collection method: clinical testing. Allele origin: germline.
Comment: Variant summary: LAMA3 c.1405_1406delAG (p.Ser469X) results in a premature termination codon, predicted to cause a truncation of the encoded protein or absence of the protein due to nonsense mediated decay, which are commonly known mechanisms for disease. Truncations downstream of this position have been classified as pathogenic by our laboratory. The variant was absent in 249934 control chromosomes (gnomAD). c.1405_1406delAG (also known as 1372delAG)has been reported in the literature in compound heterozygous individuals affected with Junctional Epidermolysis Bullosa (example: Nakano_2002). These data indicate that the variant may be associated with disease. To our knowledge, no experimental evidence demonstrating an impact on protein function has been reported. One clinical diagnostic laboratory has submitted clinical-significance assessments for this variant to ClinVar after 2014 and classified the variant as pathogenic. Based on the evidence outlined above, the variant was classified as pathogenic.

Counsyl
Classification: Pathogenic for Junctional epidermolysis bullosa gravis of Herlitz. Last evaluated: 2017-12-28. Review status: no assertion criteria provided. Collection method: clinical testing. Allele origin: unknown. Not counted in ClinVar's aggregate classification.

Literature cited by the submitters: PubMed 10366601 (cited by Labcorp Genetics (formerly Invitae), Labcorp); PubMed 11810295 (cited by 3 submitters); PubMed 12915477 (cited by Labcorp Genetics (formerly Invitae), Labcorp); PubMed 16473856 (cited by Labcorp Genetics (formerly Invitae), Labcorp and Women's Health and Genetics/Laboratory Corporation of America, LabCorp); PubMed 17362460 (cited by Labcorp Genetics (formerly Invitae), Labcorp); PubMed 22434185 (cited by Labcorp Genetics (formerly Invitae), Labcorp); PubMed 23869449 (cited by Labcorp Genetics (formerly Invitae), Labcorp); PubMed 27827380 (cited by Labcorp Genetics (formerly Invitae), Labcorp); PubMed 28087116 (cited by Labcorp Genetics (formerly Invitae), Labcorp).

NM_198129.4(LAMA3):c.6232_6233del (p.Gln2077_Ser2078insTer)

Gene: LAMA3 (laminin subunit alpha 3; plus strand). Cytogenetic location: 18q11.2.
Variant type: Microsatellite.
Coding change: c.6232_6233del on transcript NM_198129.4 (MANE Select); coding-DNA positions 6232 to 6233, 2 bases deleted (AG; older notation c.6232_6233delAG).
Protein change: p.Gln2077_Ser2078insTer.
Molecular consequence: nonsense.
Genome position (GRCh38, 1-based): chr18:23,903,039-23,903,040, AG deleted; deleting any 2 consecutive bases within chr18:23,903,037-23,903,040 gives the same sequence; the c. name uses the placement nearest the transcript's 3' end. VCF-style (leftmost placement, unchanged base first): chr18-23903036-CAG-C. GRCh37 (hg19) VCF-style: chr18-21483000-CAG-C.
Other names: c.1405_1406del, p.Gln468_Ser469insTer (NM_000227.6); c.6064_6065del, p.Gln2021_Ser2022insTer (NM_001127717.4); c.1237_1238del, p.Gln412_Ser413insTer (NM_001127718.4).
Identifiers: ClinVar variation 555742 (VCV000555742.8), dbSNP rs1158945258, ClinGen allele CA628684861.